The following is an entry in ClinVar:

NM_015506.3(MMACHC):c.567dup (p.Ile190fs)

Gene: MMACHC (metabolism of cobalamin associated C; plus strand). Cytogenetic location: 1p34.1.
Variant type: Duplication.
Coding change: c.567dup on transcript NM_015506.3 (MANE Select); coding-DNA position 567, one base duplicated (T; older notation c.567dupT).
Protein change: p.Ile190fs; shifts the reading frame from isoleucine 190.
Molecular consequence: frameshift variant.
Genome position (GRCh38, 1-based): chr1:45,508,933, T duplicated. VCF-style (leftmost placement, unchanged base first): chr1-45508932-G-GT. GRCh37 (hg19) VCF-style: chr1-45974604-G-GT.
Other names: p.Ile190Tyrfs*13; c.567dupT (NM_015506.3, NM_015506.2); c.396dup, p.Ile133fs (NM_001330540.2); c.566_567insT (NM_015506.2); short protein forms I190fs, I133fs.
Identifiers: ClinVar variation 556708 (VCV000556708.30), dbSNP rs1463495909, ClinGen allele CA522810899.
Genomic context (GRCh38, chr1:45,508,932, plus strand): 5'-TAGAGGTGCCAGATCTGCCACCCAGAAAACCTCATGACTGTGTACCTACAAGAGCTGACC[G>GT]TATCGCCCTACTCGAAGGCTTCAATTTCCACTGGCGTGATTGGACTTACCGGGATGCTGT-3'

ClinVar aggregate classification (germline): Pathogenic. Review status: criteria provided, multiple submitters, no conflicts (2 of 4 stars). 11 submissions from 11 submitters: Pathogenic (10). 1 of the submissions does not count toward it. Last evaluated 2026-03-13.

Conditions:
Retinal disorder. Also called: Retinopathy; Retinal disorders; Retinopathies; Retinal Diseases. Identifiers: MedGen C0035309, MONDO:0005283, HP:0000488.
Cobalamin C disease. Also called: methylmalonic aciduria and homocystinuria type cblC; Methylmalonic aciduria and homocystinuria, Vitamin B12-responsive; Vitamin B12 metabolic defect with combined deficiency of methylmalonyl-CoA mutase and homocysteine:methyltetrahydrofolate methyltransferase; Cobalamin-C methylmalonic acidemia and homocystinuria; Methylmalonic acidemia and homocystinuria cblC type; Methylmalonic aciduria with homocystinuria cblC type. Identifiers: Orphanet 26, Orphanet 79282, MedGen C1848561, MONDO:0010184, OMIM 277400.

Allele frequency attached by ClinVar (database versions not stated): gnomAD exomes below 0.00001 and 0.00001; gnomAD 0.00001; TOPMed 0.00004.

Submissions (11):

Genetics Laboratory, Great Ormond Street Hospital NHS Foundation Trust, North Thames Genomic Laboratory Hub
Classification: Pathogenic for Retinal disorders. Last evaluated: 2026-03-13. Review status: criteria provided, single submitter. Criteria: ACGS Best Practice Guidelines for Variant Classification in Rare Disease 2024 v1.2. Collection method: clinical testing. Allele origin: germline. Affected: yes.
Comment: PM2_moderate, PVS1_strong, PM3_very-strong

Natera, Inc.
Classification: Pathogenic for Methylmalonic aciduria and homocystinuria cblC type. Last evaluated: 2025-09-26. Review status: criteria provided, single submitter. Criteria: Natera Variant Classification Schema (03/2026). Collection method: clinical testing. Allele origin: germline.
Comment: The c.567dupT variant in MMACHC is a frameshift variant predicted to shift the reading frame beginning at codon 190 and leads to a stop codon 13 codons downstream. This variant is expected to result in nonsense mediated decay, truncation, or a dysfunctional protein product. This variant is rare in the general population with a frequency below the threshold expected for the associated phenotype(s). This variant has been observed in one or more individuals affected with the associated recessive disease, as either homozygous or compound heterozygous with a second variant (PMID: 20631720). Given the available evidence, this variant is classified as Pathogenic.

GeneDx
Classification: Pathogenic. Last evaluated: 2025-03-26. Review status: criteria provided, single submitter. Criteria: GeneDx Variant Classification Process June 2021. Collection method: clinical testing. Allele origin: germline. Affected: yes.
Comment: Frameshift variant predicted to result in abnormal protein length as the last 93 amino acid(s) are replaced with 12 different amino acid(s), and other similar variants have been reported in HGMD; Not observed at significant frequency in large population cohorts (gnomAD); This variant is associated with the following publications: (PMID: 29098535, 21835369, 34102818, 35361390, 31697851, 36184083, 34671977, 30863077, 30564975, 32778825, 34539730, 27751223, 19370762, 30157807, 35085585, 32943488, 29731766, 34076870, 32005694, 33691766, 34392393, 35223700, 35314707, 31998365, 38750596, 36787440, 38582244, 39670100)

Mayo Clinic Laboratories, Mayo Clinic
Classification: Pathogenic. Last evaluated: 2024-06-06. Review status: criteria provided, single submitter. Criteria: ACMG Guidelines, 2015. Collection method: clinical testing. Allele origin: germline. Observed: 1 variant allele.
Comment: PM3_very_strong, PS4_moderate, PVS1_strong

Fulgent Genetics
Classification: Pathogenic for Cobalamin C disease. Last evaluated: 2024-05-25. Review status: criteria provided, single submitter. Criteria: ACMG Guidelines, 2015. Collection method: clinical testing. Allele origin: germline.

Labcorp Genetics (formerly Invitae), Labcorp
Classification: Pathogenic for Cobalamin C disease. Last evaluated: 2024-01-31. Review status: criteria provided, single submitter. Criteria: Invitae Variant Classification Sherloc (09022015). Collection method: clinical testing. Allele origin: germline.
Comment: This sequence change creates a premature translational stop signal (p.Ile190Tyrfs*13) in the MMACHC gene. While this is not anticipated to result in nonsense mediated decay, it is expected to disrupt the last 93 amino acid(s) of the MMACHC protein. This variant is present in population databases (no rsID available, gnomAD 0.01%). This premature translational stop signal has been observed in individual(s) with clinical features of combined methylmalonic aciduria and homocystinuria (PMID: 21835369, 26149271, 27383490). In at least one individual the data is consistent with being in trans (on the opposite chromosome) from a pathogenic variant. ClinVar contains an entry for this variant (Variation ID: 556708). Experimental studies and prediction algorithms are not available or were not evaluated, and the functional significance of this variant is currently unknown. This variant disrupts a region of the MMACHC protein in which other variant(s) (p.Trp203*) have been determined to be pathogenic (PMID: 16311595, 20631720, 23954310, 27383490, 28327205). This suggests that this is a clinically significant region of the protein, and that variants that disrupt it are likely to be disease-causing. For these reasons, this variant has been classified as Pathogenic.

Genome-Nilou Lab
Classification: Pathogenic for Cobalamin C disease. Last evaluated: 2023-04-11. Review status: criteria provided, single submitter. Criteria: ACMG Guidelines, 2015. Collection method: clinical testing. Allele origin: germline. Affected: no.

Women's Health and Genetics/Laboratory Corporation of America, LabCorp
Classification: Pathogenic for Cobalamin C disease. Last evaluated: 2023-01-08. Review status: criteria provided, single submitter. Criteria: LabCorp Variant Classification Summary - May 2015. Collection method: clinical testing. Allele origin: germline.
Comment: Variant summary: MMACHC c.567dupT (p.Ile190TyrfsX13) results in a premature termination codon, predicted to cause a truncation of the encoded protein or absence of the protein due to nonsense mediated decay, which are commonly known mechanisms for disease. The variant allele was found at a frequency of 1.2e-05 in 249560 control chromosomes. c.567dupT has been reported in the literature in multiple individuals affected with Cobalamin C Disease (Methylmalonic Aciduria With Homocystinuria) (example, Ji_2019, Liu_2010). These data indicate that the variant is very likely to be associated with disease. Five clinical diagnostic laboratories have submitted clinical-significance assessments for this variant to ClinVar after 2014. All laboratories classified the variant as pathogenic. Based on the evidence outlined above, the variant was classified as pathogenic.

Beijing Key Laboratry for Genetics of Birth Defects, Beijing Children's Hospital
Classification: Pathogenic for Cobalamin C disease. Last evaluated: 2020-02-28. Review status: criteria provided, single submitter. Criteria: ACMG Guidelines, 2015. Collection method: clinical testing. Allele origin: germline. Affected: yes. Observed: 1 variant allele.

Juno Genomics, Hangzhou Juno Genomics, Inc
Classification: Pathogenic for Cobalamin C disease. Review status: criteria provided, single submitter. Criteria: ACMG Guidelines, 2015. Collection method: clinical testing. Allele origin: germline.
Comment: Absent from controls (or at extremely low frequency if recessive) in Genome Aggregation Database.;Null variant in a gene where loss of function (LOF) is a known mechanism of disease.;For recessive disorders, detected in trans with a pathogenic variant.

Counsyl
Classification: Pathogenic for Cobalamin C disease. Last evaluated: 2018-02-14. Review status: no assertion criteria provided. Collection method: clinical testing. Allele origin: unknown. Not counted in ClinVar's aggregate classification.

Literature cited by the submitters: PubMed 20631720 (cited by 4 submitters); PubMed 19370762 (cited by Mayo Clinic Laboratories, Mayo Clinic and Counsyl); PubMed 21835369 (cited by Mayo Clinic Laboratories, Mayo Clinic and Labcorp Genetics (formerly Invitae), Labcorp); PubMed 30157807 (cited by Mayo Clinic Laboratories, Mayo Clinic); PubMed 35361390 (cited by Mayo Clinic Laboratories, Mayo Clinic); PubMed 36056359 (cited by Mayo Clinic Laboratories, Mayo Clinic); PubMed 38750596 (cited by Mayo Clinic Laboratories, Mayo Clinic); PubMed 26149271 (cited by Labcorp Genetics (formerly Invitae), Labcorp); PubMed 27383490 (cited by Labcorp Genetics (formerly Invitae), Labcorp); PubMed 16311595 (cited by Labcorp Genetics (formerly Invitae), Labcorp); PubMed 23954310 (cited by Labcorp Genetics (formerly Invitae), Labcorp); PubMed 28327205 (cited by Labcorp Genetics (formerly Invitae), Labcorp); PubMed 31278756 (cited by Women's Health and Genetics/Laboratory Corporation of America, LabCorp).